The following is an entry in ClinVar:

NM_015909.4(NBAS):c.1600A>G (p.Ile534Val)

Gene: NBAS (NBAS subunit of NRZ tethering complex; minus strand). Cytogenetic location: 2p24.3.
Variant type: single nucleotide variant.
Coding change: c.1600A>G on transcript NM_015909.4 (MANE Select); coding-DNA position 1600, A replaced by G.
Protein change: p.Ile534Val; replaces isoleucine 534 with valine.
Molecular consequence: missense variant. On other transcripts: non-coding transcript variant (1).
Genome position (GRCh38, 1-based): chr2:15,473,347, T>C on the plus strand (A>G on the coding strand, the complement: NBAS is on the minus strand). VCF-style: chr2-15473347-T-C. GRCh37 (hg19) VCF-style: chr2-15613471-T-C.
Other names: c.1600A>G (NM_015909.2); short protein forms I534V.
Identifiers: ClinVar variation 1372515 (VCV001372515.9), dbSNP rs369340714, ClinGen allele CA1536612.

ClinVar aggregate classification (germline): Uncertain significance. Review status: criteria provided, multiple submitters, no conflicts (2 of 4 stars). 2 submissions from 2 submitters: Uncertain significance (2). Last evaluated 2025-03-18.

Conditions:
Inborn genetic diseases. Identifiers: MedGen C0950123, MeSH D030342.

Allele frequency attached by ClinVar (database versions not stated): ExAC 0.00001; gnomAD 0.00001; gnomAD exomes 0.00001 and 0.00002; TOPMed 0.00001; ESP Exome Variant Server 0.00008.
gnomAD v4.1: 26 of 1,613,588 alleles (0.0016%); highest among the groups gnomAD compares: Non-Finnish European, 0.0019%; no homozygotes.

Submissions (2):

Ambry Genetics
Classification: Uncertain significance for Inborn genetic diseases. Last evaluated: 2025-03-18. Review status: criteria provided, single submitter. Criteria: Ambry Variant Classification Scheme 2023. Collection method: clinical testing. Allele origin: germline.

Labcorp Genetics (formerly Invitae), Labcorp
Classification: Uncertain significance. Last evaluated: 2023-10-04. Review status: criteria provided, single submitter. Criteria: Invitae Variant Classification Sherloc (09022015). Collection method: clinical testing. Allele origin: germline.
Comment: This sequence change replaces isoleucine, which is neutral and non-polar, with valine, which is neutral and non-polar, at codon 534 of the NBAS protein (p.Ile534Val). This variant is present in population databases (rs369340714, gnomAD 0.002%). This variant has not been reported in the literature in individuals affected with NBAS-related conditions. ClinVar contains an entry for this variant (Variation ID: 1372515). An algorithm developed to predict the effect of missense changes on protein structure and function (PolyPhen-2) suggests that this variant is likely to be disruptive. Algorithms developed to predict the effect of sequence changes on RNA splicing suggest that this variant may disrupt the consensus splice site. In summary, the available evidence is currently insufficient to determine the role of this variant in disease. Therefore, it has been classified as a Variant of Uncertain Significance.